The following is an entry in ClinVar:

ClinVar aggregate classification (germline): Likely pathogenic (1 of 4 stars; one submission).

Conditions:
Corneal dystrophy-perceptive deafness syndrome (CDPD). Also called: CORNEAL DYSTROPHY AND SENSORINEURAL DEAFNESS; HARBOYAN SYNDROME. Identifiers: Orphanet 1490, MedGen C1857572, MONDO:0009015, OMIM 217400.

gnomAD v4.1: 1 of 1,613,676 alleles (0.000062%); highest among the groups gnomAD compares: Non-Finnish European, 0.000085%; no homozygotes.

Submission:

Women's Health and Genetics/Laboratory Corporation of America, LabCorp
Classification: Likely pathogenic for Corneal dystrophy-perceptive deafness syndrome. Last evaluated: 2025-04-02. Review status: criteria provided, single submitter. Criteria: LabCorp Variant Classification Summary - May 2015. Collection method: clinical testing. Allele origin: germline.
Comment: Variant summary: SLC4A11 c.719G>C (p.Trp240Ser) results in a non-conservative amino acid change in the encoded protein sequence. Five of five in-silico tools predict a damaging effect of the variant on protein function. The variant was absent in 250762 control chromosomes (gnomAD). c.719G>C has been reported in the literature in at least one individual affected with Fuchs endothelial corneal dystrophy (Soumittra_2014). Multiple publications reported experimental evidence evaluating an impact on protein function and this variant affected the SLC4A11 protein function (Soumittra_2014, Alka_2018, Li_2019). No submitters have cited clinical-significance assessments for this variant to ClinVar. Based on the evidence outlined above, the variant was classified as likely pathogenic.

Literature cited by the submitters: PubMed 29327391; PubMed 25007886; PubMed 30557570.

NM_001174089.2(SLC4A11):c.671G>C (p.Trp224Ser)

Gene: SLC4A11 (solute carrier family 4 member 11; minus strand). Cytogenetic location: 20p13.
Variant type: single nucleotide variant.
Coding change: c.671G>C on transcript NM_001174089.2 (MANE Select); coding-DNA position 671, G replaced by C.
Protein change: p.Trp224Ser; replaces tryptophan 224 with serine.
Molecular consequence: missense variant. On other transcripts: non-coding transcript variant (3).
Genome position (GRCh38, 1-based): chr20:3,233,572, C>G on the plus strand (G>C on the coding strand, the complement: SLC4A11 is on the minus strand). VCF-style: chr20-3233572-C-G. GRCh37 (hg19) VCF-style: chr20-3214218-C-G.
Other names: c.800G>C, p.Trp267Ser (NM_001174090.2, NM_001400280.1); c.671G>C, p.Trp224Ser (NM_001363745.2); c.614G>C, p.Trp205Ser (NM_001400277.1, NM_001400278.1, NM_001400279.1); c.719G>C, p.Trp240Ser (NM_032034.4); short protein forms W205S, W224S, W240S, W267S.
Identifiers: ClinVar variation 3896551 (VCV003896551.2).